The following is an entry in ClinVar:

ClinVar aggregate classification (germline): Conflicting classifications of pathogenicity. Review status: criteria provided, conflicting classifications (1 of 4 stars). 4 submissions from 4 submitters: Pathogenic (1); Likely pathogenic (1); Uncertain significance (2). Last evaluated 2025-07-17.

Conditions:
Mucopolysaccharidosis, MPS-IV-A (MPS4A). Also called: Mucopolysaccharidosis type IV A; Mucopolysaccharidosis Type IVA; Morquio syndrome A, mild; MORQUIO SYNDROME A; MPS IVA; mucopolysaccharidosis type 4A. Identifiers: Orphanet 309297, Orphanet 582, MedGen C0086651, MONDO:0009659, OMIM 253000.

gnomAD v4.1: 1 of 1,613,264 alleles (0.000062%); highest among the groups gnomAD compares: Non-Finnish European, 0.000085%; no homozygotes.

Submissions (4):

Women's Health and Genetics/Laboratory Corporation of America, LabCorp
Classification: Uncertain significance. Last evaluated: 2025-07-17. Review status: criteria provided, single submitter. Criteria: LabCorp Variant Classification Summary - May 2015. Collection method: clinical testing. Allele origin: germline.
Comment: Variant summary: GALNS c.824T>C (p.Leu275Pro) results in a non-conservative amino acid change located in the Sulfatase, N-terminal domain (IPR000917) of the encoded protein sequence. Algorithms developed to predict the effect of missense changes on protein structure and function all suggest that this variant is likely to be disruptive. The variant was absent in 249496 control chromosomes. c.824T>C has been observed in individuals affected with Mucopolysaccharidosis Type IVA (Morquio Syndrome A) (Caciotti_2015 and Peretz_2020). These data indicate that the variant may be associated with disease. To our knowledge, no experimental evidence demonstrating an impact on protein function has been reported. The following publications have been ascertained in the context of this evaluation (PMID: 25545067, 32216080, 34387910). ClinVar contains an entry for this variant (Variation ID: 1048420). Based on the evidence outlined above, the variant was classified as VUS-possibly pathogenic.

Fulgent Genetics
Classification: Likely pathogenic for Mucopolysaccharidosis, MPS-IV-A. Last evaluated: 2024-02-19. Review status: criteria provided, single submitter. Criteria: ACMG Guidelines, 2015. Collection method: clinical testing. Allele origin: germline.

Labcorp Genetics (formerly Invitae), Labcorp
Classification: Pathogenic for Mucopolysaccharidosis, MPS-IV-A. Last evaluated: 2022-05-27. Review status: criteria provided, single submitter. Criteria: Invitae Variant Classification Sherloc (09022015). Collection method: clinical testing. Allele origin: germline.
Comment: ClinVar contains an entry for this variant (Variation ID: 1048420). For these reasons, this variant has been classified as Pathogenic. Advanced modeling of protein sequence and biophysical properties (such as structural, functional, and spatial information, amino acid conservation, physicochemical variation, residue mobility, and thermodynamic stability) performed at Invitae indicates that this missense variant is expected to disrupt GALNS protein function. This missense change has been observed in individual(s) with mucopolysaccharidosis IVA (PMID: 32216080, 34387910). This variant is not present in population databases (gnomAD no frequency). This sequence change replaces leucine, which is neutral and non-polar, with proline, which is neutral and non-polar, at codon 275 of the GALNS protein (p.Leu275Pro).

Laboratory of Diagnosis and Therapy of Lysosomal Disorders, University of Padova
Classification: Uncertain significance for Mucopolysaccharidosis, MPS-IV-A. Last evaluated: 2021-02-01. Review status: criteria provided, single submitter. Criteria: ACMG Guidelines, 2015. Collection method: research. Allele origin: germline. Affected: yes.
Comment: Absent from gnomAD v2.1.1 (PM2_moderate); multiple lines of computational evidence support a deleterious effect on the gene (PP3_supporting)

Literature cited by the submitters: PubMed 34387910 (cited by 3 submitters); PubMed 25545067 (cited by Women's Health and Genetics/Laboratory Corporation of America, LabCorp and Laboratory of Diagnosis and Therapy of Lysosomal Disorders, University of Padova); PubMed 32216080 (cited by 3 submitters).

NM_000512.5(GALNS):c.824T>C (p.Leu275Pro)

Gene: GALNS (galactosamine (N-acetyl)-6-sulfatase; minus strand). Cytogenetic location: 16q24.3.
Variant type: single nucleotide variant.
Coding change: c.824T>C on transcript NM_000512.5 (MANE Select); coding-DNA position 824, T replaced by C.
Protein change: p.Leu275Pro; replaces leucine 275 with proline.
Molecular consequence: missense variant.
Genome position (GRCh38, 1-based): chr16:88,835,287, A>G on the plus strand (T>C on the coding strand, the complement: GALNS is on the minus strand). VCF-style: chr16-88835287-A-G. GRCh37 (hg19) VCF-style: chr16-88901695-A-G.
Other names: c.269T>C, p.Leu90Pro (NM_001323543.2); c.842T>C, p.Leu281Pro (NM_001323544.2); short protein forms L275P, L281P, L90P.
Identifiers: ClinVar variation 1048420 (VCV001048420.14), dbSNP rs2143001162, ClinGen allele CA397076306.